The following is an entry in ClinVar:

NM_000925.4(PDHB):c.1057A>G (p.Ile353Val)

Gene: PDHB (pyruvate dehydrogenase E1 subunit beta; minus strand). Cytogenetic location: 3p14.3.
Variant type: single nucleotide variant.
Coding change: c.1057A>G on transcript NM_000925.4 (MANE Select); coding-DNA position 1057, A replaced by G.
Protein change: p.Ile353Val; replaces isoleucine 353 with valine.
Molecular consequence: missense variant. On other transcripts: non-coding transcript variant (1).
Genome position (GRCh38, 1-based): chr3:58,428,057, T>C on the plus strand (A>G on the coding strand, the complement: PDHB is on the minus strand). VCF-style: chr3-58428057-T-C. GRCh37 (hg19) VCF-style: chr3-58413784-T-C.
Other names: c.1003A>G, p.Ile335Val (NM_001173468.2, NM_001315536.2); short protein forms I335V, I353V.
Identifiers: ClinVar variation 1038845 (VCV001038845.2), dbSNP rs748366089, ClinGen allele CA2471373.
Genomic context (GRCh38, chr3:58,428,057, plus strand): 5'-TCAAATAAATTTCAACGACTTGATATTCAAGTCCAAACTAAATATTTAATGTTTTCTTTA[T>C]TGCAAATATGATGTCTTTGACCTGAGGTATAGAGTTGTCCTCTAGAATCTTTGCATAAGG-3'
Protein context (NP_000916.2, residues 343-359): IPQVKDIIFA[Ile353Val]KKTLNI

ClinVar aggregate classification (germline): Uncertain significance (1 of 4 stars; one submission).

Conditions:
Pyruvate dehydrogenase E1-beta deficiency (PDHBD). Identifiers: Orphanet 765, MedGen C3279841, MONDO:0013580, OMIM 614111, Orphanet 255138.

Allele frequency attached by ClinVar (database versions not stated): gnomAD exomes below 0.00001; TOPMed below 0.00001; ExAC 0.00001.
gnomAD v4.1: 4 of 1,608,754 alleles (0.00025%); highest among the groups gnomAD compares: African/African-American, 0.0013%; no homozygotes.

Submission:

Labcorp Genetics (formerly Invitae), Labcorp
Classification: Uncertain significance for Pyruvate dehydrogenase E1-beta deficiency. Last evaluated: 2021-09-01. Review status: criteria provided, single submitter. Criteria: Invitae Variant Classification Sherloc (09022015). Collection method: clinical testing. Allele origin: germline.
Comment: This sequence change replaces isoleucine with valine at codon 353 of the PDHB protein (p.Ile353Val). The isoleucine residue is weakly conserved and there is a small physicochemical difference between isoleucine and valine. This variant is present in population databases (rs748366089, ExAC 0.009%). This variant has not been reported in the literature in individuals affected with PDHB-related conditions. Algorithms developed to predict the effect of missense changes on protein structure and function output the following: SIFT: "Tolerated"; PolyPhen-2: "Benign"; Align-GVGD: "Class C0". The valine amino acid residue is found in multiple mammalian species, which suggests that this missense change does not adversely affect protein function. Algorithms developed to predict the effect of sequence changes on RNA splicing suggest that this variant may create or strengthen a splice site. In summary, the available evidence is currently insufficient to determine the role of this variant in disease. Therefore, it has been classified as a Variant of Uncertain Significance.